The following is an entry in ClinVar:

ClinVar aggregate classification (germline): Uncertain significance (1 of 4 stars; one submission).

Conditions:
Inborn genetic diseases. Identifiers: MedGen C0950123, MeSH D030342.

Submission:

Ambry Genetics
Classification: Uncertain significance for Inborn genetic diseases. Last evaluated: 2025-10-16. Review status: criteria provided, single submitter. Criteria: Ambry Variant Classification Scheme 2023. Collection method: clinical testing. Allele origin: germline.
Comment: The p.S1291R variant (also known as c.3871A>C), located in coding exon 14 of the FANCM gene, results from an A to C substitution at nucleotide position 3871. The serine at codon 1291 is replaced by arginine, an amino acid with dissimilar properties. This amino acid position is conserved. In addition, this alteration is predicted to be tolerated by in silico analysis. Based on the available evidence, the clinical significance of this variant remains unclear.

NM_020937.4(FANCM):c.3871A>C (p.Ser1291Arg)

Gene: FANCM (FA complementation group M; plus strand). Cytogenetic location: 14q21.2.
Variant type: single nucleotide variant.
Coding change: c.3871A>C on transcript NM_020937.4 (MANE Select); coding-DNA position 3871, A replaced by C.
Protein change: p.Ser1291Arg; replaces serine 1291 with arginine.
Molecular consequence: missense variant.
Genome position (GRCh38, 1-based): chr14:45,176,625, A>C. VCF-style: chr14-45176625-A-C. GRCh37 (hg19) VCF-style: chr14-45645828-A-C.
Other names: c.3793A>C, p.Ser1265Arg (NM_001308133.2); short protein forms S1265R, S1291R.
Identifiers: ClinVar variation 4619495 (VCV004619495.1).
Genomic context (GRCh38, chr14:45,176,625, plus strand): 5'-GATGCAAATTATGTTTCGAATCAAGCACTAATACCAAGAGATCATAGTAAAAATTTTACT[A>C]GTGGAACTGTTATTATCCCATCAAATGAAGATATGCAGAATCCAAATTATGTACATTTGC-3'
Protein context (NP_065988.1, residues 1281-1301): IPRDHSKNFT[Ser1291Arg]GTVIIPSNED